The following is an entry in ClinVar:

NM_003238.6(TGFB2):c.619G>C (p.Val207Leu)

Gene: TGFB2 (transforming growth factor beta 2; plus strand). Cytogenetic location: 1q41.
Variant type: single nucleotide variant.
Coding change: c.619G>C on transcript NM_003238.6 (MANE Select); coding-DNA position 619, G replaced by C.
Protein change: p.Val207Leu; replaces valine 207 with leucine.
Molecular consequence: missense variant. On other transcripts: non-coding transcript variant (2).
Genome position (GRCh38, 1-based): chr1:218,434,190, G>C. VCF-style: chr1-218434190-G-C. GRCh37 (hg19) VCF-style: chr1-218607532-G-C.
Other names: p.V207L:GTT>CTT; c.703G>C, p.Val235Leu (NM_001135599.4); c.703G>C (NM_001135599.1); short protein forms V207L, V235L.
Identifiers: ClinVar variation 155837 (VCV000155837.77), dbSNP rs10482810, ClinGen allele CA321408.

ClinVar aggregate classification (germline): Benign/Likely benign. Review status: criteria provided, multiple submitters, no conflicts (2 of 4 stars). 21 submissions from 21 submitters: Benign (8); Likely benign (12). 1 of the submissions does not count toward it. Last evaluated 2026-06-01.

Conditions:
Ehlers-Danlos syndrome (EDS). Identifiers: Orphanet 98249, MedGen C0013720, MONDO:0020066.
Familial thoracic aortic aneurysm and aortic dissection (TAAD). Also called: Thoracic aortic aneurysms and dissections. Identifiers: Orphanet 91387, MedGen C4707243, MONDO:0019625.
Loeys-Dietz syndrome 4 (LDS4). Also called: ANEURYSM, AORTIC AND CEREBRAL, WITH ARTERIAL TORTUOSITY AND SKELETAL MANIFESTATIONS; TGFB2-Related Loeys-Dietz Syndrome. Identifiers: MedGen C3553762, MONDO:0013897, OMIM 614816.
Holt-Oram syndrome (HOS). Also called: Ventriculo-radial syndrome; Cardiac-limb syndrome; Heart-hand syndrome, type 1; TBX5-Related Holt-Oram Syndrome. Identifiers: Orphanet 392, MedGen C0265264, MONDO:0007732, OMIM 142900.

Allele frequency attached by ClinVar (database versions not stated): 1000 Genomes Project 0.00060; 1000 Genomes Project 30x 0.00078; TOPMed 0.00313; gnomAD exomes 0.00330; ExAC 0.00334; gnomAD 0.00338 and 0.00359; ESP Exome Variant Server 0.00384.
gnomAD v4.1: 8,032 of 1,614,148 alleles (0.5%); highest among the groups gnomAD compares: Non-Finnish European, 0.6%; 36 homozygotes.

Submissions (21):

CeGaT Center for Human Genetics Tuebingen
Classification: Likely benign. Last evaluated: 2026-06-01. Review status: criteria provided, single submitter. Criteria: CeGaT Center For Human Genetics Tuebingen Variant Classification Criteria Version 2. Collection method: clinical testing. Allele origin: germline. Affected: yes. Observed: 20 variant alleles.
Comment: TGFB2: BS2

Molecular Diagnostic Laboratory for Inherited Cardiovascular Disease, Montreal Heart Institute
Classification: Likely benign. Last evaluated: 2026-03-27. Review status: criteria provided, single submitter. Criteria: ACMG Guidelines, 2015. Collection method: clinical testing. Allele origin: germline. Affected: no.
Comment: BS1;BP4;BP6

Labcorp Genetics (formerly Invitae), Labcorp
Classification: Benign for Loeys-Dietz syndrome 4. Last evaluated: 2026-02-04. Review status: criteria provided, single submitter. Criteria: Invitae Variant Classification Sherloc (09022015). Collection method: clinical testing. Allele origin: germline.

ARUP Laboratories, Molecular Genetics and Genomics, ARUP Laboratories
Classification: Benign for Loeys-Dietz syndrome 4. Last evaluated: 2025-07-18. Review status: criteria provided, single submitter. Criteria: ARUP Molecular Germline Variant Investigation Process 2024. Collection method: clinical testing. Allele origin: germline.

Blueprint Genetics
Classification: Likely benign. Last evaluated: 2024-11-21. Review status: criteria provided, single submitter. Criteria: ACMG Guidelines, 2015. Collection method: clinical testing. Allele origin: germline.

GeneDx
Classification: Benign. Last evaluated: 2024-06-28. Review status: criteria provided, single submitter. Criteria: GeneDx Variant Classification Process June 2021. Collection method: clinical testing. Allele origin: germline. Affected: yes.
Comment: See Variant Classification Assertion Criteria.

Mayo Clinic Laboratories, Mayo Clinic
Classification: Benign. Last evaluated: 2024-06-18. Review status: criteria provided, single submitter. Criteria: ACMG Guidelines, 2015. Collection method: clinical testing. Allele origin: germline. Observed: 16 variant alleles.
Comment: BS1, BS2, BP4

Molecular Genetics, Royal Melbourne Hospital
Classification: Likely benign for Familial thoracic aortic aneurysm and aortic dissection. Last evaluated: 2023-08-01. Review status: criteria provided, single submitter. Criteria: ACMG Guidelines, 2015. Collection method: clinical testing. Allele origin: germline. Inheritance: Autosomal dominant inheritance.

Genome Diagnostics Laboratory, The Hospital for Sick Children
Classification: Benign for Ehlers-Danlos syndrome. Last evaluated: 2022-05-25. Review status: criteria provided, single submitter. Criteria: ACMG Guidelines, 2015. Collection method: clinical testing. Allele origin: germline.

Institute for Clinical Genetics, University Hospital TU Dresden, University Hospital TU Dresden
Classification: Likely benign. Last evaluated: 2021-11-03. Review status: criteria provided, single submitter. Criteria: ACMG Guidelines, 2015. Collection method: clinical testing. Allele origin: germline.

Women's Health and Genetics/Laboratory Corporation of America, LabCorp
Classification: Likely benign. Last evaluated: 2019-08-12. Review status: criteria provided, single submitter. Criteria: LabCorp Variant Classification Summary - May 2015. Collection method: clinical testing. Allele origin: germline.
Comment: Variant summary: TGFB2 c.619G>C (p.Val207Leu) results in a conservative amino acid change located in the TGF-beta propeptide domain (IPR001111) of the encoded protein sequence. Four of five in-silico tools predict a benign effect of the variant on protein function. The variant allele was found at a frequency of 0.0033 in 251286 control chromosomes, predominantly at a frequency of 0.005 within the Non-Finnish European subpopulation in the gnomAD database, including 5 homozygotes. The observed variant frequency within Non-Finnish European control individuals in the gnomAD database is approximately 400 fold of the estimated maximal expected allele frequency for a pathogenic variant in TGFB2 causing Aortopathy phenotype (1.3e-05), strongly suggesting that the variant is a benign polymorphism found primarily in populations of Non-Finnish European origin. c.619G>C has been reported in the literature in individuals affected with aortic root dilation, vascular anomalies and familial abdominal aortic aneurysm (Disha_2017, vandeLuijtgaarden_2015, Mattassi_2018) without strong evidence of causality. To our knowledge, no experimental evidence demonstrating an impact on protein function has been reported. Ten submitters have provided clinical-significance assessments for this variant to ClinVar after 2014 without evidence for independent evaluation (9x Likely benign/benign and 1x uncertain significance). Based on the evidence outlined above, the variant was classified as likely benign.

Mendelics
Classification: Likely benign for Holt-Oram syndrome. Last evaluated: 2019-05-28. Review status: criteria provided, single submitter. Criteria: Mendelics Assertion Criteria 2017. Collection method: clinical testing. Allele origin: unknown.

Ambry Genetics
Classification: Likely benign for Familial thoracic aortic aneurysm and aortic dissection. Last evaluated: 2019-04-16. Review status: criteria provided, single submitter. Criteria: Ambry Variant Classification Scheme 2023. Collection method: clinical testing. Allele origin: germline.

CHEO Genetics Diagnostic Laboratory, Children's Hospital of Eastern Ontario
Classification: Benign for Familial thoracic aortic aneurysm and aortic dissection. Last evaluated: 2019-03-20. Review status: criteria provided, single submitter. Criteria: ACMG Guidelines, 2015. Collection method: clinical testing. Allele origin: germline.

Eurofins Ntd Llc (ga)
Classification: Likely benign. Last evaluated: 2017-11-29. Review status: criteria provided, single submitter. Criteria: EGL Classification Definitions 2015. Collection method: clinical testing. Allele origin: germline. Observed: 1 variant allele, 1 heterozygote.

Illumina Laboratory Services, Illumina
Classification: Likely benign for Loeys-Dietz syndrome 4. Last evaluated: 2017-04-27. Review status: criteria provided, single submitter. Criteria: ICSL Variant Classification Criteria 13 December 2019. Collection method: clinical testing. Allele origin: germline.
Comment: This variant was observed as part of a predisposition screen in an ostensibly healthy population. A literature search was performed for the gene, cDNA change, and amino acid change (where applicable). No publications were found based on this search. Allele frequency data from public databases allowed determination this variant is unlikely to cause disease. Therefore, this variant is classified as likely benign.

Center for Pediatric Genomic Medicine, Children's Mercy Hospital and Clinics
Classification: Likely benign. Last evaluated: 2017-03-28. Review status: criteria provided, single submitter. Criteria: ACMG Guidelines, 2015. Collection method: clinical testing. Allele origin: germline.

Center for Human Genetics, Inc
Classification: Benign for Loeys-Dietz syndrome 4. Last evaluated: 2016-11-01. Review status: criteria provided, single submitter. Criteria: ACMG Guidelines, 2015. Collection method: clinical testing. Allele origin: germline. Affected: yes.

Breakthrough Genomics
Classification: Likely benign. Review status: criteria provided, single submitter. Criteria: ACMG Guidelines, 2015. Collection method: not provided. Allele origin: germline. Inheritance: Autosomal dominant inheritance. Affected: yes.

PreventionGenetics, part of Exact Sciences
Classification: Benign. Review status: criteria provided, single submitter. Criteria: ACMG Guidelines, 2015. Collection method: clinical testing. Allele origin: germline.

Knight Diagnostic Laboratories, Oregon Health and Sciences University
Classification: Uncertain significance for Loeys-Dietz syndrome, type 4. Last evaluated: 2016-03-30. Review status: no assertion criteria provided. Criteria: ACMG Guidelines, 2015. Collection method: clinical testing. Allele origin: germline. Affected: no. Study: CSER-NextGen. Not counted in ClinVar's aggregate classification.

Literature cited by the submitters: PubMed 26017485 (cited by Mayo Clinic Laboratories, Mayo Clinic and Women's Health and Genetics/Laboratory Corporation of America, LabCorp); PubMed 28655553 (cited by Mayo Clinic Laboratories, Mayo Clinic and Women's Health and Genetics/Laboratory Corporation of America, LabCorp); PubMed 28633253 (cited by Women's Health and Genetics/Laboratory Corporation of America, LabCorp); PubMed 24465802 (cited by Ambry Genetics).